The following is an entry in ClinVar:

NM_024675.4(PALB2):c.3351-10A>G

Gene: PALB2 (partner and localizer of BRCA2; minus strand). Cytogenetic location: 16p12.2.
Variant type: single nucleotide variant.
Coding change: c.3351-10A>G on transcript NM_024675.4 (MANE Select); 10 bases into the intron before coding-DNA position 3351, A replaced by G.
Molecular consequence: intron variant.
Genome position (GRCh38, 1-based): chr16:23,603,679, T>C on the plus strand (A>G on the coding strand, the complement: PALB2 is on the minus strand). VCF-style: chr16-23603679-T-C. GRCh37 (hg19) VCF-style: chr16-23615000-T-C.
Identifiers: ClinVar variation 371998 (VCV000371998.16), dbSNP rs1057517611, ClinGen allele CA16042145.

ClinVar aggregate classification (germline): Likely benign. Review status: criteria provided, multiple submitters, no conflicts (2 of 4 stars). 5 submissions from 5 submitters: Likely benign (2). 3 of the submissions do not count toward it. Last evaluated 2025-04-18.

Conditions:
Familial cancer of breast. Also called: BREAST CANCER, FAMILIAL; hereditary breast carcinoma; Hereditary breast cancer. Identifiers: Orphanet 227535, MedGen C0346153, MONDO:0016419, OMIM 114480. Disease mechanism: loss of function.

Allele frequency attached by ClinVar (database versions not stated): gnomAD exomes below 0.00001; gnomAD 0.00001.
gnomAD v4.1: 7 of 1,600,484 alleles (0.00044%); highest among the groups gnomAD compares: Non-Finnish European, 0.0006%; no homozygotes.

Submissions (5):

Labcorp Genetics (formerly Invitae), Labcorp
Classification: Likely benign for Familial cancer of breast. Last evaluated: 2025-04-18. Review status: criteria provided, single submitter. Criteria: Invitae Variant Classification Sherloc (09022015). Collection method: clinical testing. Allele origin: germline.

Myriad Genetics, Inc.
Classification: Likely benign for Familial cancer of breast. Last evaluated: 2023-03-30. Review status: criteria provided, single submitter. Criteria: Myriad Autosomal Dominant, Autosomal Recessive and X-Linked Classification Criteria (2023). Collection method: clinical testing. Allele origin: unknown.
Comment: This variant is considered likely benign. This variant is intronic and is not expected to impact mRNA splicing.

Counsyl
Classification: Likely benign for Familial cancer of breast. Last evaluated: 2016-10-04. Review status: no assertion criteria provided. Collection method: clinical testing. Allele origin: unknown. Not counted in ClinVar's aggregate classification.

Joint Genome Diagnostic Labs from Nijmegen and Maastricht, Radboudumc and MUMC+
Classification: Likely benign. Review status: no assertion criteria provided. Collection method: clinical testing. Allele origin: germline. Affected: yes. Study: VKGL Data-share Consensus. Not counted in ClinVar's aggregate classification.

Laboratory of Diagnostic Genome Analysis, Leiden University Medical Center (LUMC)
Classification: Likely benign. Review status: no assertion criteria provided. Collection method: clinical testing. Allele origin: germline. Affected: yes. Study: VKGL Data-share Consensus. Not counted in ClinVar's aggregate classification.